The following is an entry in ClinVar:

NM_006118.4(HAX1):c.430dup (p.Val144fs)

Gene: HAX1 (HCLS1 associated protein X-1; plus strand). Cytogenetic location: 1q21.3.
Variant type: Duplication.
Coding change: c.430dup on transcript NM_006118.4 (MANE Select); coding-DNA position 430, one base duplicated (G; older notation c.430dupG).
Protein change: p.Val144fs; shifts the reading frame from valine 144.
Molecular consequence: frameshift variant.
Genome position (GRCh38, 1-based): chr1:154,273,887, G duplicated; the last of 7 consecutive G bases (chr1:154,273,881-154,273,887); duplicating any one gives the same sequence. VCF-style (leftmost placement, unchanged base first): chr1-154273880-T-TG. GRCh37 (hg19) VCF-style: chr1-154246356-T-TG.
Other names: c.430dupG (NM_006118.3); c.286dup, p.Val96fs (NM_001018837.2); short protein forms V144fs, V96fs.
Identifiers: ClinVar variation 578906 (VCV000578906.25), dbSNP rs770288337, ClinGen allele CA1127341.

ClinVar aggregate classification (germline): Pathogenic. Review status: criteria provided, multiple submitters, no conflicts (2 of 4 stars). 11 submissions from 11 submitters: Pathogenic (10). 1 of the submissions does not count toward it. Last evaluated 2025-12-22.

Conditions:
Inborn genetic diseases. Identifiers: MedGen C0950123, MeSH D030342.
Kostmann syndrome (SCN3). Also called: Autosomal recessive severe congenital neutropenia type 3; KOSTMANN DISEASE. Identifiers: Orphanet 99749, MedGen C5235141, MONDO:0012548, OMIM 610738.

Submissions (11):

Labcorp Genetics (formerly Invitae), Labcorp
Classification: Pathogenic for Kostmann syndrome. Last evaluated: 2025-12-22. Review status: criteria provided, single submitter. Criteria: Invitae Variant Classification Sherloc (09022015). Collection method: clinical testing. Allele origin: germline.
Comment: This sequence change creates a premature translational stop signal (p.Val144Glyfs*5) in the HAX1 gene. It is expected to result in an absent or disrupted protein product. Loss-of-function variants in HAX1 are known to be pathogenic (PMID: 17187068). This variant is present in population databases (rs770288337, gnomAD 0.01%). This premature translational stop signal has been observed in individual(s) with severe congenital neutropenia or Kostmann syndrome (PMID: 18337561, 20065084, 20220065, 22102707, 24482108). It has also been observed to segregate with disease in related individuals. ClinVar contains an entry for this variant (Variation ID: 578906). Algorithms developed to predict the effect of sequence changes on RNA splicing suggest that this variant may disrupt the consensus splice site. For these reasons, this variant has been classified as Pathogenic.

Laboratorio de Genetica e Diagnostico Molecular, Hospital Israelita Albert Einstein
Classification: Pathogenic for Kostmann syndrome. Last evaluated: 2025-10-20. Review status: criteria provided, single submitter. Criteria: ACMG Guidelines, 2015. Collection method: clinical testing. Allele origin: germline. Affected: yes.
Comment: ACMG classification criteria: PVS1 very strong, PM2 supporting, PM3 strong

Natera, Inc.
Classification: Pathogenic for Autosomal recessive severe congenital neutropenia type 3. Last evaluated: 2025-05-01. Review status: criteria provided, single submitter. Criteria: Natera Variant Classification Schema (03/2026). Collection method: clinical testing. Allele origin: germline.
Comment: The c.430dupG variant in HAX1 is a frameshift variant predicted to shift the reading frame beginning at codon 144 and leads to a stop codon 5 codons downstream. This variant is expected to result in nonsense mediated decay, truncation, or a dysfunctional protein product. This variant is rare in the general population with a frequency below the threshold expected for the associated phenotype(s). This variant has been observed in one or more individuals affected with the associated recessive disease, as either homozygous or compound heterozygous with a second variant (PMID: 24482108). Given the available evidence, this variant is classified as Pathogenic.

Dasa
Classification: Pathogenic. Last evaluated: 2025-03-10. Review status: criteria provided, single submitter. Criteria: DASA Assertion Criteria. Collection method: clinical testing. Allele origin: germline.
Comment: NM_006118.4(HAX1):c.430dup (p.Val144Glyfs*5) introduces a premature termination codon predicted to result in loss of normal protein function. Loss-of-function is an established mechanism of disease for this gene. This variant has been recurrently observed in affected individuals with related phenotype in a genotype context consistent with recessive disease (PMID: 24482108; PMID: 22102707; PMID: 20220065; PMID: 20065084). The variant is present at low frequency in population datasets. Based on the available data, this variant is classified as pathogenic.

Fulgent Genetics
Classification: Pathogenic for Kostmann syndrome. Last evaluated: 2024-04-23. Review status: criteria provided, single submitter. Criteria: ACMG Guidelines, 2015. Collection method: clinical testing. Allele origin: germline.

Genomic Medicine Center of Excellence, King Faisal Specialist Hospital and Research Centre
Classification: Pathogenic for Kostmann syndrome. Last evaluated: 2024-03-25. Review status: criteria provided, single submitter. Criteria: ACMG Guidelines, 2015. Collection method: clinical testing. Allele origin: germline.

Ambry Genetics
Classification: Pathogenic for Inborn genetic diseases. Last evaluated: 2022-07-24. Review status: criteria provided, single submitter. Criteria: Ambry Variant Classification Scheme 2023. Collection method: clinical testing. Allele origin: germline.
Comment: The c.430dupG (p.V144Gfs*5) alteration, located in exon 3 (coding exon 3) of the HAX1 gene, consists of a duplication of G at position 430, causing a translational frameshift with a predicted alternate stop codon after 5 amino acids. This alteration is expected to result in loss of function by premature protein truncation or nonsense-mediated mRNA decay. Based on data from gnomAD, the GG allele has an overall frequency of <0.01% (8/282726) total alleles studied. The highest observed frequency was 0.01% (2/19948) of East Asian alleles. This alteration has been detected in the homozygous state, and in trans with other HAX1 disease-causing alterations, in multiple individuals with HAX1-related severe congenital neutropenia (Lyu, 2020; Aytekin, 2010; Germeshausen, 2010; Lanciotti, 2010; Roques, 2014; Germeshausen, 2008; Dong, 2020; Lashkari, 2022; Dai, 2022). Based on the available evidence, this alteration is classified as pathogenic.

Institute of Human Genetics, Clinical Exome/Genome Diagnostics Group, University Hospital Bonn
Classification: Pathogenic for Kostmann syndrome. Last evaluated: 2022-06-03. Review status: criteria provided, single submitter. Criteria: ACMG Guidelines, 2015. Collection method: clinical testing. Allele origin: germline. Affected: yes.

Revvity Omics, Revvity
Classification: Pathogenic for Kostmann syndrome. Last evaluated: 2022-04-12. Review status: criteria provided, single submitter. Criteria: ACMG Guidelines, 2015. Collection method: clinical testing. Allele origin: germline.

Juno Genomics, Hangzhou Juno Genomics, Inc
Classification: Pathogenic for Kostmann syndrome. Review status: criteria provided, single submitter. Criteria: ACMG Guidelines, 2015. Collection method: clinical testing. Allele origin: germline.
Comment: Absent from controls (or at extremely low frequency if recessive) in Genome Aggregation Database.;Null variant in a gene where loss of function (LOF) is a known mechanism of disease.;For recessive disorders, detected in trans with a pathogenic variant.;Patient's phenotype or family history is highly specific for a disease with a single genetic etiology.;Co-segregation with disease in multiple affected family members.

OMIM
Classification: Pathogenic for NEUTROPENIA, SEVERE CONGENITAL, 3, AUTOSOMAL RECESSIVE. Last evaluated: 2008-05-15. Review status: no assertion criteria provided. Collection method: literature only. Allele origin: germline. Not counted in ClinVar's aggregate classification.

Literature cited by the submitters: PubMed 17187068 (cited by Labcorp Genetics (formerly Invitae), Labcorp); PubMed 18337561 (cited by 3 submitters); PubMed 20065084 (cited by 3 submitters); PubMed 20220065 (cited by 3 submitters); PubMed 22102707 (cited by Labcorp Genetics (formerly Invitae), Labcorp and Dasa); PubMed 24482108 (cited by 4 submitters); PubMed 20177699 (cited by Ambry Genetics); PubMed 32005694 (cited by Ambry Genetics); PubMed 33381479 (cited by Ambry Genetics); PubMed 34134972 (cited by Ambry Genetics); PubMed 34826056 (cited by Ambry Genetics).